The following is an entry in ClinVar:

NM_020937.4(FANCM):c.2950A>G (p.Lys984Glu)

Gene: FANCM (FA complementation group M; plus strand). Cytogenetic location: 14q21.2.
Variant type: single nucleotide variant.
Coding change: c.2950A>G on transcript NM_020937.4 (MANE Select); coding-DNA position 2950, A replaced by G.
Protein change: p.Lys984Glu; replaces lysine 984 with glutamic acid.
Molecular consequence: missense variant.
Genome position (GRCh38, 1-based): chr14:45,175,704, A>G. VCF-style: chr14-45175704-A-G. GRCh37 (hg19) VCF-style: chr14-45644907-A-G.
Other names: c.2872A>G, p.Lys958Glu (NM_001308133.2); short protein forms K958E, K984E.
Identifiers: ClinVar variation 4871099 (VCV004871099.1).

ClinVar aggregate classification (germline): Uncertain significance (1 of 4 stars; one submission).

Conditions:
Inborn genetic diseases. Identifiers: MedGen C0950123, MeSH D030342.

gnomAD v4.1: 3 of 1,613,712 alleles (0.00019%); highest among the groups gnomAD compares: African/African-American, 0.004%; no homozygotes.

Submission:

Ambry Genetics
Classification: Uncertain significance for Inborn genetic diseases. Last evaluated: 2026-04-25. Review status: criteria provided, single submitter. Criteria: Ambry Variant Classification Scheme 2023. Collection method: clinical testing. Allele origin: germline.
Comment: The p.K984E variant (also known as c.2950A>G), located in coding exon 14 of the FANCM gene, results from an A to G substitution at nucleotide position 2950. The lysine at codon 984 is replaced by glutamic acid, an amino acid with similar properties. This amino acid position is conserved. In addition, this alteration is predicted to be tolerated by in silico analysis. Based on the available evidence, the clinical significance of this variant remains unclear.